The following is an entry in ClinVar:

ClinVar aggregate classification (germline): Pathogenic (1 of 4 stars; one submission).

Submission:

GeneDx
Classification: Pathogenic. Last evaluated: 2026-02-16. Review status: criteria provided, single submitter. Criteria: GeneDx Variant Classification Process June 2021. Collection method: clinical testing. Allele origin: germline.
Comment: Has been reported in the heterozygous state, notated as insertion A at nucleotide 100 due to use of alternate nomenclature, in patients of Pima Indian heritage with high BMI (PMID: 15448103, 18835933); Published functional studies, with G34Rfs*4 described as D37 stop due to use of alternate nomenclature, demonstrate a damaging effect with this variant resulting decreased MC4R activity (PMID: 22106157); Frameshift variant predicted to result in abnormal protein length as the last 299 amino acids are replaced with 3 different amino acids, and other similar variants have been reported; Not observed at significant frequency in large population cohorts (gnomAD); This variant is associated with the following publications: (PMID: 18835933, 15448103, 22106157)

NM_005912.3(MC4R):c.99dup (p.Gly34fs)

Gene: MC4R (melanocortin 4 receptor; minus strand). Cytogenetic location: 18q21.32.
Variant type: Duplication.
Coding change: c.99dup on transcript NM_005912.3 (MANE Select); coding-DNA position 99, one base duplicated (A; older notation c.99dupA).
Protein change: p.Gly34fs; shifts the reading frame from glycine 34.
Molecular consequence: frameshift variant.
Genome position (GRCh38, 1-based): chr18:60,372,251, T duplicated on the plus strand (A on the coding strand, the reverse complement: MC4R is on the minus strand); the first of 4 consecutive T bases (chr18:60,372,251-60,372,254); duplicating any one gives the same sequence. VCF-style (leftmost placement, unchanged base first): chr18-60372250-C-CT. GRCh37 (hg19) VCF-style: chr18-58039483-C-CT.
Other names: short protein forms G34fs.
Identifiers: ClinVar variation 4887903 (VCV004887903.1).